The following is an entry in ClinVar:

GRCh37/hg19 17p12(chr17:14087934-15483608)x3

Genes: CDRT15 (CMT1A duplicated region transcript 15; minus strand), CDRT4 (CMT1A duplicated region transcript 4; minus strand), COX10 (cytochrome c oxidase assembly factor heme A:farnesyltransferase COX10; plus strand), HS3ST3B1 (heparan sulfate-glucosamine 3-sulfotransferase 3B1; plus strand), PMP22 (peripheral myelin protein 22; minus strand) and 3 more. Cytogenetic location: 17p12.
Variant type: copy number gain.
Change: copy number 3 (three copies instead of two) of chr17:14,087,934-15,483,608 (1.40 Mb, GRCh37 coordinates, 1-based), cytogenetic band 17p12.
Identifiers: ClinVar variation 1808605 (VCV001808605.1).

ClinVar aggregate classification (germline): Pathogenic (1 of 4 stars; one submission).

Submission:

Quest Diagnostics Nichols Institute San Juan Capistrano
Classification: Pathogenic. Last evaluated: 2022-03-23. Review status: criteria provided, single submitter. Criteria: ACMG/ClinGen CNV Guidelines, 2019. Collection method: clinical testing. Allele origin: unknown.
Comment: This copy number gain includes the PMP22 gene (OMIM 601097) and is consistent with Charcot-Marie-Tooth disease type 1A (OMIM 118220). Duplication of PMP22 accounts for 70-80% of all Charcot-Marie-Tooth neuropathy type 1 (CMT1), a demyelinating peripheral neuropathy characterized by distal muscle weakness, atrophy, sensory loss, and slow nerve conduction velocity. The penetrance of this duplication is thought to be near 100%; however, age of onset and severity of the condition are variable, and some carriers are not clinically recognized. Approximately two thirds of PMP22 duplications are inherited. See GeneReviews for additional information and references.